The following is an entry in ClinVar:

NM_001999.4(FBN2):c.8506A>G (p.Ile2836Val)

Gene: FBN2 (fibrillin 2; minus strand). Cytogenetic location: 5q23.3.
Variant type: single nucleotide variant.
Coding change: c.8506A>G on transcript NM_001999.4 (MANE Select); coding-DNA position 8506, A replaced by G.
Protein change: p.Ile2836Val; replaces isoleucine 2836 with valine.
Molecular consequence: missense variant.
Genome position (GRCh38, 1-based): chr5:128,259,688, T>C on the plus strand (A>G on the coding strand, the complement: FBN2 is on the minus strand). VCF-style: chr5-128259688-T-C. GRCh37 (hg19) VCF-style: chr5-127595380-T-C.
Other names: short protein forms I2836V.
Identifiers: ClinVar variation 1309361 (VCV001309361.5), dbSNP rs1249852107, ClinGen allele CA360745683.

ClinVar aggregate classification (germline): Uncertain significance. Review status: criteria provided, multiple submitters, no conflicts (2 of 4 stars). 2 submissions from 2 submitters: Uncertain significance (2). Last evaluated 2025-10-26.

Conditions:
Congenital contractural arachnodactyly (CCA). Also called: Arthrogryposis, distal, type 9; BEALS SYNDROME; Beals-Hecht syndrome. Identifiers: Orphanet 115, MedGen C0220668, MONDO:0007363, OMIM 121050.

Allele frequency attached by ClinVar (database versions not stated): gnomAD exomes below 0.00001.
gnomAD v4.1: 4 of 1,613,952 alleles (0.00025%); highest among the groups gnomAD compares: Non-Finnish European, 0.00034%; no homozygotes.

Submissions (2):

Labcorp Genetics (formerly Invitae), Labcorp
Classification: Uncertain significance for Congenital contractural arachnodactyly. Last evaluated: 2025-10-26. Review status: criteria provided, single submitter. Criteria: Invitae Variant Classification Sherloc (09022015). Collection method: clinical testing. Allele origin: germline.
Comment: This sequence change replaces isoleucine, which is neutral and non-polar, with valine, which is neutral and non-polar, at codon 2836 of the FBN2 protein (p.Ile2836Val). This variant is not present in population databases (gnomAD no frequency). This missense change has been observed in individual(s) with thoracic aortic aneurysm and dissection (PMID: 29742989). ClinVar contains an entry for this variant (Variation ID: 1309361). Invitae Evidence Modeling of protein sequence and biophysical properties (such as structural, functional, and spatial information, amino acid conservation, physicochemical variation, residue mobility, and thermodynamic stability) indicates that this missense variant is not expected to disrupt FBN2 protein function with a negative predictive value of 80%. In summary, the available evidence is currently insufficient to determine the role of this variant in disease. Therefore, it has been classified as a Variant of Uncertain Significance.

GeneDx
Classification: Uncertain significance. Last evaluated: 2019-10-15. Review status: criteria provided, single submitter. Criteria: GeneDx Variant Classification Process June 2021. Collection method: clinical testing. Allele origin: germline. Affected: yes.
Comment: Has not been previously published as pathogenic or benign to our knowledge; Not observed in large population cohorts (Lek et al., 2016); In silico analysis, which includes protein predictors and evolutionary conservation, supports that this variant does not alter protein structure/function; Does not affect a cysteine residue within a calcium-binding EGF-like domain of the FBN2 gene; cysteine substitutions in the calcium-binding EGF-like domains represent the majority of pathogenic missense changes associated with FBN2-related disorders (Collod-Beroud et al., 2003; Frederic et al., 2009).

Literature cited by the submitters: PubMed 29742989 (cited by Labcorp Genetics (formerly Invitae), Labcorp).